The following is an entry in ClinVar:

NM_001122630.2(CDKN1C):c.*5+19_*5+20insA

Gene: CDKN1C (cyclin dependent kinase inhibitor 1C; minus strand). Cytogenetic location: 11p15.4.
Variant type: Insertion.
Coding change: c.*5+19_*5+20insA on transcript NM_001122630.2 (MANE Select); bases 19 to 20 of the intron after 5 bases downstream of the stop codon, A inserted.
Molecular consequence: intron variant.
Genome position: GRCh38 VCF-style: chr11-2883979-C-CT. GRCh37 (hg19) VCF-style: chr11-2905209-C-CT.
Other names: c.391+19_391+20insA (NM_001362475.1, NM_001362475.2); c.*5+19_*5+20insA (NM_001122631.2, NM_001362474.2, NM_000076.2).
Identifiers: ClinVar variation 1692137 (VCV001692137.3), dbSNP rs757091712, ClinGen allele CA5822130.

ClinVar aggregate classification (germline): Likely benign. Review status: criteria provided, multiple submitters, no conflicts (2 of 4 stars). 3 submissions from 3 submitters: Likely benign (3). Last evaluated 2026-01-23.

Conditions:
CDKN1C-related disorder. Also called: CDKN1C-related condition.
Beckwith-Wiedemann syndrome (BWS). Also called: EMG SYNDROME; Exomphalos macroglossia gigantism syndrome. Identifiers: Orphanet 116, MedGen C0004903, MONDO:0007534, OMIM 130650.

Submissions (3):

PreventionGenetics, part of Exact Sciences
Classification: Likely benign for CDKN1C-related condition. Last evaluated: 2026-01-23. Review status: criteria provided, single submitter. Criteria: ACMG Guidelines, 2015. Collection method: clinical testing. Allele origin: germline.
Comment: This variant is classified as likely benign based on ACMG/AMP sequence variant interpretation guidelines (Richards et al. 2015 PMID: 25741868, with internal and published modifications).

Blueprint Genetics
Classification: Likely benign. Last evaluated: 2024-09-21. Review status: criteria provided, single submitter. Criteria: ACMG Guidelines, 2015. Collection method: clinical testing. Allele origin: germline.

Sema4
Classification: Likely benign for Beckwith-Wiedemann syndrome. Last evaluated: 2021-02-23. Review status: criteria provided, single submitter. Criteria: Sema4 Curation Guidelines. Collection method: curation. Allele origin: germline.